The following is an entry in ClinVar:

ClinVar aggregate classification (germline): Uncertain significance (1 of 4 stars; one submission).

Conditions:
Nemaline myopathy 6 (NEM6). Also called: Nemaline myopathy 6, autosomal dominant. Identifiers: Orphanet 171439, MedGen C1836472, MONDO:0012237, OMIM 609273.

Submission:

Labcorp Genetics (formerly Invitae), Labcorp
Classification: Uncertain significance for Nemaline myopathy 6. Last evaluated: 2025-11-06. Review status: criteria provided, single submitter. Criteria: Invitae Variant Classification Sherloc (09022015). Collection method: clinical testing. Allele origin: germline.
Comment: This sequence change replaces serine, which is neutral and polar, with arginine, which is basic and polar, at codon 198 of the KBTBD13 protein (p.Ser198Arg). This variant is not present in population databases (gnomAD no frequency). This variant has not been reported in the literature in individuals affected with KBTBD13-related conditions. Invitae Evidence Modeling of protein sequence and biophysical properties (such as structural, functional, and spatial information, amino acid conservation, physicochemical variation, residue mobility, and thermodynamic stability) indicates that this missense variant is not expected to disrupt KBTBD13 protein function with a negative predictive value of 80%. In summary, the available evidence is currently insufficient to determine the role of this variant in disease. Therefore, it has been classified as a Variant of Uncertain Significance.

NM_001101362.3(KBTBD13):c.592A>C (p.Ser198Arg)

Gene: KBTBD13 (kelch repeat and BTB domain containing 13; plus strand). Cytogenetic location: 15q22.31.
Variant type: single nucleotide variant.
Coding change: c.592A>C on transcript NM_001101362.3 (MANE Select); coding-DNA position 592, A replaced by C.
Protein change: p.Ser198Arg; replaces serine 198 with arginine.
Molecular consequence: missense variant.
Genome position (GRCh38, 1-based): chr15:65,077,407, A>C. VCF-style: chr15-65077407-A-C. GRCh37 (hg19) VCF-style: chr15-65369745-A-C.
Other names: short protein forms S198R.
Identifiers: ClinVar variation 4766454 (VCV004766454.1).
Genomic context (GRCh38, chr15:65,077,407, plus strand): 5'-TGTTACCTGGACGAGGAAGAGGACGCGTGGCGCACGCTGGCTGCGCTGCCCCTGGAGGCC[A>C]GCACGTTGCTGGCCGGGGTGGCCACGCTGGGCAACAAGCTTTACATCGTGGGGGGCGTGC-3'
Protein context (NP_001094832.1, residues 188-208): RTLAALPLEA[Ser198Arg]TLLAGVATLG